The following is an entry in ClinVar:

ClinVar aggregate classification (germline): Uncertain significance (0 of 4 stars; one submission).

Conditions:
ARID1B-Related Disorder. Identifiers: MedGen CN381337.

gnomAD v4.1: 1 of 1,613,752 alleles (0.000062%); highest among the groups gnomAD compares: Non-Finnish European, 0.000085%; no homozygotes.

Submission:

PreventionGenetics, part of Exact Sciences
Classification: Uncertain significance for ARID1B-related condition. Last evaluated: 2024-09-09. Review status: no assertion criteria provided. Collection method: clinical testing. Allele origin: germline.
Comment: The ARID1B c.1559C>A variant is predicted to result in the amino acid substitution p.Pro520Gln. To our knowledge, this variant has not been reported in the literature. This variant is reported in 0.00088% of alleles in individuals of European (Non-Finnish) descent in gnomAD. At this time, the clinical significance of this variant is uncertain due to the absence of conclusive functional and genetic evidence.

NM_001374828.1(ARID1B):c.1808C>A (p.Pro603Gln)

Gene: ARID1B (AT-rich interaction domain 1B; plus strand). Cytogenetic location: 6q25.3.
Variant type: single nucleotide variant.
Coding change: c.1808C>A on transcript NM_001374828.1 (MANE Select); coding-DNA position 1808, C replaced by A.
Protein change: p.Pro603Gln; replaces proline 603 with glutamine.
Molecular consequence: missense variant.
Genome position (GRCh38, 1-based): chr6:156,829,243, C>A. VCF-style: chr6-156829243-C-A. GRCh37 (hg19) VCF-style: chr6-157150377-C-A.
Other names: c.1559C>A (NM_020732.3); c.1808C>A, p.Pro603Gln (NM_001371656.1, NM_001374820.1, NM_017519.3); short protein forms P603Q.
Identifiers: ClinVar variation 3345536 (VCV003345536.1).